The following is an entry in ClinVar:

NM_024312.5(GNPTAB):c.1491del (p.Gly498fs)

Gene: GNPTAB (N-acetylglucosamine-1-phosphate transferase subunits alpha and beta; minus strand). Cytogenetic location: 12q23.2.
Variant type: Deletion.
Coding change: c.1491del on transcript NM_024312.5 (MANE Select); coding-DNA position 1491, one base deleted (A; older notation c.1491delA).
Protein change: p.Gly498fs; shifts the reading frame from glycine 498.
Molecular consequence: frameshift variant.
Genome position (GRCh38, 1-based): chr12:101,766,212, T deleted on the plus strand (A on the coding strand, the reverse complement: GNPTAB is on the minus strand). VCF-style (leftmost placement, unchanged base first): chr12-101766211-CT-C. GRCh37 (hg19) VCF-style: chr12-102159989-CT-C.
Other names: short protein forms G498fs.
Identifiers: ClinVar variation 1071081 (VCV001071081.7), dbSNP rs2137119177, ClinGen allele CA2499221389.

ClinVar aggregate classification (germline): Pathogenic (1 of 4 stars; one submission).

Conditions:
Mucolipidosis type II. Also called: ML II ALPHA/BETA; Mucolipidosis 2; ML 2; Inclusion cell disease; Leroy Disease; N-acetylglucosamine 1phosphotransferase deficiency. Identifiers: Orphanet 576, MedGen C2673377, MONDO:0009650, OMIM 252500.
Pseudo-Hurler polydystrophy. Also called: MUCOLIPIDOSIS IIIA; ML III; ML III ALPHA/BETA; Type III Mucolipidosis; ML IIIA; Mucolipidosis III Alpha/Beta. Identifiers: Orphanet 423461, Orphanet 577, MedGen C0033788, MONDO:0018931, OMIM 252600.

Submission:

Labcorp Genetics (formerly Invitae), Labcorp
Classification: Pathogenic for Pseudo-Hurler polydystrophy; Mucolipidosis type II. Last evaluated: 2024-01-16. Review status: criteria provided, single submitter. Criteria: Invitae Variant Classification Sherloc (09022015). Collection method: clinical testing. Allele origin: germline.
Comment: This sequence change creates a premature translational stop signal (p.Gly498Glufs*2) in the GNPTAB gene. It is expected to result in an absent or disrupted protein product. Loss-of-function variants in GNPTAB are known to be pathogenic (PMID: 19617216, 25107912). This variant is not present in population databases (gnomAD no frequency). This variant has not been reported in the literature in individuals affected with GNPTAB-related conditions. ClinVar contains an entry for this variant (Variation ID: 1071081). Algorithms developed to predict the effect of sequence changes on RNA splicing suggest that this variant may disrupt the consensus splice site. For these reasons, this variant has been classified as Pathogenic.

Literature cited by the submitters: PubMed 19617216; PubMed 25107912.